The following is an entry in ClinVar:

ClinVar aggregate classification (germline): Conflicting classifications of pathogenicity. Review status: criteria provided, conflicting classifications (1 of 4 stars). 3 submissions from 3 submitters: Uncertain significance (1); Likely benign (2). Last evaluated 2025-09-28.

Conditions:
Bloom syndrome (BLM). Also called: Bloom-Torre-Machacek syndrome. Identifiers: Orphanet 125, MedGen C0005859, MONDO:0008876, OMIM 210900.
Hereditary cancer-predisposing syndrome. Also called: Hereditary Cancer Syndrome; Neoplastic Syndromes, Hereditary; Tumor predisposition; Hereditary neoplastic syndrome. Identifiers: Orphanet 140162, MedGen C0027672, MeSH D009386, MONDO:0015356.

gnomAD v4.1: 4 of 1,528,628 alleles (0.00026%); highest among the groups gnomAD compares: Non-Finnish European, 0.00035%; no homozygotes.

Submissions (3):

Ambry Genetics
Classification: Likely benign for Hereditary cancer-predisposing syndrome. Last evaluated: 2025-09-28. Review status: criteria provided, single submitter. Criteria: Ambry Variant Classification Scheme 2023. Collection method: clinical testing. Allele origin: germline.

Quest Diagnostics Nichols Institute San Juan Capistrano
Classification: Uncertain significance. Last evaluated: 2025-09-12. Review status: criteria provided, single submitter. Criteria: Quest Diagnostics criteria. Collection method: clinical testing. Allele origin: unknown.
Comment: The BLM c.1875T>C (p.Asn625=) synonymous variant has not been reported in individuals with BLM-related conditions in the published literature. This variant has not been reported in large, multi-ethnic general populations (Genome Aggregation Database). Analysis of this variant using software algorithms for the prediction of the effect of nucleotide changes on splicing yielded predictions that this variant does not affect BLM mRNA splicing. Based on the available information, we are unable to determine the clinical significance of this variant.

Labcorp Genetics (formerly Invitae), Labcorp
Classification: Likely benign for Bloom syndrome. Last evaluated: 2019-08-05. Review status: criteria provided, single submitter. Criteria: Invitae Variant Classification Sherloc (09022015). Collection method: clinical testing. Allele origin: germline.

NM_000057.4(BLM):c.1875T>C (p.Asn625=)

Gene: BLM (BLM RecQ like helicase; plus strand). Cytogenetic location: 15q26.1.
Variant type: single nucleotide variant.
Coding change: c.1875T>C on transcript NM_000057.4 (MANE Select); coding-DNA position 1875, T replaced by C.
Protein change: p.Asn625=; no amino-acid change (asparagine 625 retained).
Molecular consequence: synonymous variant.
Genome position (GRCh38, 1-based): chr15:90,761,248, T>C. VCF-style: chr15-90761248-T-C. GRCh37 (hg19) VCF-style: chr15-91304478-T-C.
Other names: c.1875T>C (NM_000057.2, NM_000057.3); c.1875T>C, p.Asn625= (NM_001287246.2, NM_001287247.2); c.750T>C, p.Asn250= (NM_001287248.2).
Identifiers: ClinVar variation 1084467 (VCV001084467.11), dbSNP rs2151159204, ClinGen allele CA492301540.